The following is an entry in ClinVar:

NM_001042492.3(NF1):c.7034del (p.Thr2344_Leu2345insTer)

Gene: NF1 (neurofibromin 1; plus strand). Cytogenetic location: 17q11.2.
Variant type: Deletion.
Coding change: c.7034del on transcript NM_001042492.3 (MANE Select); coding-DNA position 7034, one base deleted (T; older notation c.7034delT).
Protein change: p.Thr2344_Leu2345insTer.
Molecular consequence: nonsense. On other transcripts: frameshift variant (1).
Genome position (GRCh38, 1-based): chr17:31,340,617, T deleted; the last of 3 consecutive T bases (chr17:31,340,615-31,340,617); deleting any one gives the same sequence. VCF-style (leftmost placement, unchanged base first): chr17-31340614-CT-C. GRCh37 (hg19) VCF-style: chr17-29667632-CT-C.
Other names: c.6971delT, p.Leu2324Terfs (NM_000267.4).
Identifiers: ClinVar variation 1433567 (VCV001433567.3), dbSNP rs2151561907, ClinGen allele CA2573153893.

ClinVar aggregate classification (germline): Pathogenic (1 of 4 stars; one submission).

Conditions:
Neurofibromatosis, type 1 (NF1). Also called: Peripheral type neurofibromatosis; VON RECKLINGHAUSEN DISEASE; NEUROFIBROMATOSIS, TYPE I, SOMATIC; Neurofibromatosis, type I. Identifiers: Orphanet 636, MedGen C0027831, MONDO:0018975, OMIM 162200. Disease mechanism: loss of function.

Submission:

Labcorp Genetics (formerly Invitae), Labcorp
Classification: Pathogenic for Neurofibromatosis, type 1. Last evaluated: 2022-05-01. Review status: criteria provided, single submitter. Criteria: Invitae Variant Classification Sherloc (09022015). Collection method: clinical testing. Allele origin: germline.
Comment: For these reasons, this variant has been classified as Pathogenic. This variant has not been reported in the literature in individuals affected with NF1-related conditions. This variant is not present in population databases (gnomAD no frequency). This sequence change creates a premature translational stop signal (p.Leu2324*) in the NF1 gene. It is expected to result in an absent or disrupted protein product. Loss-of-function variants in NF1 are known to be pathogenic (PMID: 10712197, 23913538).

Literature cited by the submitters: PubMed 10712197; PubMed 23913538.